The following is an entry in ClinVar:

ClinVar aggregate classification (germline): Conflicting classifications of pathogenicity. Review status: criteria provided, conflicting classifications (1 of 4 stars). 5 submissions from 5 submitters: Uncertain significance (4); Likely benign (1). Last evaluated 2026-01-26.

Conditions:
Cardiovascular phenotype. Identifiers: MedGen CN230736.
Arrhythmogenic cardiomyopathy with wooly hair and keratoderma. Also called: PALMOPLANTAR KERATODERMA WITH LEFT VENTRICULAR CARDIOMYOPATHY AND WOOLLY HAIR; Carvajal syndrome; Dilated cardiomyopathy with woolly hair and keratoderma; Arrhythmogenic cardiomyopathy with woolly hair and keratoderma. Identifiers: Orphanet 65282, MedGen C1854063, MONDO:0011581, OMIM 605676.
Arrhythmogenic right ventricular dysplasia 8 (ARVD8). Also called: Arrhythmogenic Right Ventricular Dysplasia/Cardiomyopathy 8; ARRHYTHMOGENIC RIGHT VENTRICULAR CARDIOMYOPATHY 8; ARRHYTHMOGENIC RIGHT VENTRICULAR DYSPLASIA, FAMILIAL, 8. Identifiers: MedGen C1843896, MONDO:0011831, OMIM 607450.
Cardiomyopathy (CMYO). Also called: Cardiomyopathies. Identifiers: Orphanet 167848, MedGen C0878544, MONDO:0004994, HP:0001638. Inheritance: Various modes of inheritance.

Allele frequency attached by ClinVar (database versions not stated): TOPMed below 0.00001; gnomAD 0.00001; gnomAD exomes 0.00001 and 0.00002.
gnomAD v4.1: 24 of 1,583,220 alleles (0.0015%); highest among the groups gnomAD compares: Non-Finnish European, 0.0017%; no homozygotes.

Submissions (5):

Labcorp Genetics (formerly Invitae), Labcorp
Classification: Likely benign for Arrhythmogenic cardiomyopathy with wooly hair and keratoderma; Arrhythmogenic right ventricular dysplasia 8. Last evaluated: 2026-01-26. Review status: criteria provided, single submitter. Criteria: Invitae Variant Classification Sherloc (09022015). Collection method: clinical testing. Allele origin: germline.

Color Diagnostics, LLC DBA Color Health
Classification: Uncertain significance for Cardiomyopathy. Last evaluated: 2024-03-06. Review status: criteria provided, single submitter. Criteria: ACMG Guidelines, 2015. Collection method: clinical testing. Allele origin: germline.
Comment: This missense variant replaces glycine with serine at codon 36 of the DSP protein. Computational prediction suggests that this variant may not impact protein structure and function (internally defined REVEL score threshold <= 0.5, PMID: 27666373). To our knowledge, functional studies have not been reported for this variant. This variant has not been reported in individuals affected with DSP-related disorders in the literature. This variant has been identified in 2/219050 chromosomes in the general population by the Genome Aggregation Database (gnomAD). The available evidence is insufficient to determine the role of this variant in disease conclusively. Therefore, this variant is classified as a Variant of Uncertain Significance.

All of Us Research Program, National Institutes of Health
Classification: Uncertain significance for Arrhythmogenic cardiomyopathy with wooly hair and keratoderma. Last evaluated: 2023-06-28. Review status: criteria provided, single submitter. Criteria: ACMG Guidelines, 2015. Collection method: clinical testing. Allele origin: germline. Inheritance: Autosomal dominant inheritance. Observed: 6 variant alleles, 6 heterozygotes.
Comment: This missense variant replaces glycine with serine at codon 36 of the DSP protein. Computational prediction suggests that this variant may not impact protein structure and function (internally defined REVEL score threshold <= 0.5, PMID: 27666373). To our knowledge, functional studies have not been reported for this variant. This variant has not been reported in individuals affected with DSP-related disorders in the literature. This variant has been identified in 2/219050 chromosomes in the general population by the Genome Aggregation Database (gnomAD). The available evidence is insufficient to determine the role of this variant in disease conclusively. Therefore, this variant is classified as a Variant of Uncertain Significance.

This study involves interpretation of variants in research participants for the purpose of population health screening. Participant phenotype was not available at the time of variant classification. Additional details can be found in publication PMID: 35346344, PMCID: PMC8962531

GeneDx
Classification: Uncertain significance. Last evaluated: 2017-08-01. Review status: criteria provided, single submitter. Criteria: GeneDx Variant Classification (06012015). Collection method: clinical testing. Allele origin: germline. Affected: yes.
Comment: A variant of uncertain significance has been identified in the DSP gene. The G36S variant has not been published as pathogenic or been reported as benign to our knowledge. This variant is not observed in large population cohorts (Lek et al., 2016; 1000 Genomes Consortium et al., 2015; Exome Variant Server). The G36S variant is a non-conservative amino acid substitution, which is likely to impact secondary protein structure as these residues differ in polarity, charge, size and/or other properties. However, this substitution occurs at a position where amino acids with similar properties to glycine (G) are tolerated across species. Finally, in silico analysis is inconsistent in its predictions as to whether or not the variant is damaging to the protein structure/function.

Ambry Genetics
Classification: Uncertain significance for Cardiovascular phenotype. Last evaluated: 2016-10-07. Review status: criteria provided, single submitter. Criteria: Ambry Variant Classification Scheme 2023. Collection method: clinical testing. Allele origin: germline.
Comment: The p.G36S variant (also known as c.106G>A), located in coding exon 1 of the DSP gene, results from a G to A substitution at nucleotide position 106. The glycine at codon 36 is replaced by serine, an amino acid with similar properties. This variant was not reported in population based cohorts in the following databases: Database of Single Nucleotide Polymorphisms (dbSNP), NHLBI Exome Sequencing Project (ESP), and 1000 Genomes Project. In the ESP, this variant was not observed in 6447 samples (12894 alleles) with coverage at this position. This amino acid position is not well conserved in available vertebrate species. In addition, this alteration is predicted to be tolerated by in silico analysis. Since supporting evidence is limited at this time, the clinical significance of this alteration remains unclear.

NM_004415.4(DSP):c.106G>A (p.Gly36Ser)

Genes: DSP-AS1 (DSP antisense RNA 1; minus strand), DSP (desmoplakin; plus strand). Cytogenetic location: 6p24.3.
Variant type: single nucleotide variant.
Coding change: c.106G>A on transcript NM_004415.4 (MANE Select); coding-DNA position 106, G replaced by A.
Protein change: p.Gly36Ser; replaces glycine 36 with serine.
Molecular consequence: missense variant.
Genome position (GRCh38, 1-based): chr6:7,542,021, G>A. VCF-style: chr6-7542021-G-A. GRCh37 (hg19) VCF-style: chr6-7542254-G-A.
Other names: c.106G>A (LRG_423t1); c.106G>A, p.Gly36Ser (NM_001008844.3, NM_001319034.2); short protein forms G36S.
Identifiers: ClinVar variation 450702 (VCV000450702.21), dbSNP rs1395509692, ClinGen allele CA362675834.
Genomic context (GRCh38, chr6:7,542,021, plus strand): 5'-CGCATGATCCGCGCCGAGTCTGGCCCGGACCTGCGCTACGAGGTGACCAGCGGCGGCGGG[G>A]GCACCAGCAGGATGTACTATTCTCGGCGCGGCGTGATCACCGACCAGAACTCGGACGGCT-3'
Protein context (NP_004406.2, residues 26-46): LRYEVTSGGG[Gly36Ser]TSRMYYSRRG